The following is an entry in ClinVar:

ClinVar aggregate classification (germline): Uncertain significance (1 of 4 stars; one submission).

gnomAD v4.1: 4 of 1,613,476 alleles (0.00025%); highest among the groups gnomAD compares: African/African-American, 0.0013%; no homozygotes.

Submission:

Labcorp Genetics (formerly Invitae), Labcorp
Classification: Uncertain significance. Last evaluated: 2025-09-22. Review status: criteria provided, single submitter. Criteria: Invitae Variant Classification Sherloc (09022015). Collection method: clinical testing. Allele origin: germline.
Comment: This sequence change replaces glutamic acid, which is acidic and polar, with lysine, which is basic and polar, at codon 718 of the CASZ1 protein (p.Glu718Lys). This variant is not present in population databases (gnomAD no frequency). This variant has not been reported in the literature in individuals affected with CASZ1-related conditions. An algorithm developed to predict the effect of missense changes on protein structure and function (PolyPhen-2) suggests that this variant is likely to be disruptive. In summary, the available evidence is currently insufficient to determine the role of this variant in disease. Therefore, it has been classified as a Variant of Uncertain Significance.

NM_001079843.3(CASZ1):c.2152G>A (p.Glu718Lys)

Gene: CASZ1 (castor zinc finger 1; minus strand). Cytogenetic location: 1p36.22.
Variant type: single nucleotide variant.
Coding change: c.2152G>A on transcript NM_001079843.3 (MANE Select); coding-DNA position 2152, G replaced by A.
Protein change: p.Glu718Lys; replaces glutamic acid 718 with lysine.
Molecular consequence: missense variant.
Genome position (GRCh38, 1-based): chr1:10,653,905, C>T on the plus strand (G>A on the coding strand, the complement: CASZ1 is on the minus strand). VCF-style: chr1-10653905-C-T. GRCh37 (hg19) VCF-style: chr1-10713962-C-T.
Other names: c.2152G>A, p.Glu718Lys (NM_017766.5); short protein forms E718K.
Identifiers: ClinVar variation 4777245 (VCV004777245.1).